The following is an entry in ClinVar:

NM_001267550.2(TTN):c.99498del (p.Asp33167fs)

Genes: TTN (titin; minus strand), TTN-AS1 (TTN antisense RNA 1; plus strand). Cytogenetic location: 2q31.2.
Variant type: Deletion.
Coding change: c.99498del on transcript NM_001267550.2 (MANE Select); coding-DNA position 99498, one base deleted (A; older notation c.99498delA).
Protein change: p.Asp33167fs; shifts the reading frame from aspartic acid 33167.
Molecular consequence: frameshift variant.
Genome position (GRCh38, 1-based): chr2:178,537,709, T deleted on the plus strand (A on the coding strand, the reverse complement: TTN is on the minus strand); the first of 2 consecutive T bases (chr2:178,537,709-178,537,710); deleting either gives the same sequence. VCF-style (leftmost placement, unchanged base first): chr2-178537708-CT-C. GRCh37 (hg19) VCF-style: chr2-179402435-CT-C.
Other names: c.94575del, p.Asp31526fs (NM_001256850.1); c.72303del, p.Asp24102fs (NM_003319.4); c.91794del, p.Asp30599fs (NM_133378.4); c.72678del, p.Asp24227fs (NM_133432.3); c.72879del, p.Asp24294fs (NM_133437.4); short protein forms D24102fs, D30599fs, D24227fs, D33167fs, D24294fs, D31526fs.
Identifiers: ClinVar variation 2951789 (VCV002951789.3), dbSNP rs2468681709, ClinGen allele CA2740096326.

ClinVar aggregate classification (germline): Likely pathogenic (1 of 4 stars; one submission).

Conditions:
Dilated cardiomyopathy 1G (CMD1G). Identifiers: Orphanet 154, MedGen C1858763, MONDO:0011400, OMIM 604145.
Autosomal recessive limb-girdle muscular dystrophy type 2J (LGMDR10). Also called: Limb-girdle muscular dystrophy, type 2J; MUSCULAR DYSTROPHY, LIMB-GIRDLE, AUTOSOMAL RECESSIVE 10. Identifiers: Orphanet 140922, MedGen C1837342, MONDO:0012127, OMIM 608807.

Submission:

Labcorp Genetics (formerly Invitae), Labcorp
Classification: Likely pathogenic for Dilated cardiomyopathy 1G; Autosomal recessive limb-girdle muscular dystrophy type 2J. Last evaluated: 2024-01-19. Review status: criteria provided, single submitter. Criteria: Invitae Variant Classification Sherloc (09022015). Collection method: clinical testing. Allele origin: germline.
Comment: This sequence change creates a premature translational stop signal (p.Asp33167Metfs*8) in the TTN gene. While this is not anticipated to result in nonsense mediated decay, it is expected to create a truncated TTN protein. This variant is not present in population databases (gnomAD no frequency). This variant has not been reported in the literature in individuals affected with TTN-related conditions. This variant is located in the A band of TTN (PMID: 25589632). Truncating variants in this region are significantly overrepresented in patients affected with dilated cardiomyopathy (PMID: 25589632). Truncating variants in this region have also been reported in individuals affected with autosomal recessive centronuclear myopathy (PMID: 23975875). In summary, the currently available evidence indicates that the variant is pathogenic, but additional data are needed to prove that conclusively. Therefore, this variant has been classified as Likely Pathogenic.

Literature cited by the submitters: PubMed 25589632; PubMed 23975875.